The following is an entry in ClinVar:

NM_000215.4(JAK3):c.1441+262C>A

Gene: JAK3 (Janus kinase 3; minus strand). Cytogenetic location: 19p13.11.
Variant type: single nucleotide variant.
Coding change: c.1441+262C>A on transcript NM_000215.4 (MANE Select); 262 bases into the intron after coding-DNA position 1441, C replaced by A.
Molecular consequence: intron variant.
Genome position (GRCh38, 1-based): chr19:17,839,215, G>T on the plus strand (C>A on the coding strand, the complement: JAK3 is on the minus strand). VCF-style: chr19-17839215-G-T. GRCh37 (hg19) VCF-style: chr19-17950024-G-T.
Identifiers: ClinVar variation 135550 (VCV000135550.1), dbSNP rs587777948, ClinGen allele CA163007.

ClinVar aggregate classification (germline): not provided (0 of 4 stars; one submission).

Allele frequency attached by ClinVar (database versions not stated): gnomAD exomes below 0.00001; TOPMed below 0.00001; gnomAD 0.00001.
gnomAD v4.1: 3 of 618,432 alleles (0.00049%); highest among the groups gnomAD compares: Non-Finnish European, 0.0009%; no homozygotes.

Submission:

ITMI
No classification provided. Condition: AllHighlyPenetrant. Last evaluated: 2013-09-19. Review status: no classification provided. Collection method: reference population. Allele origin: germline.
Comment: Please see associated publication for description of ethnicities

Literature cited by the submitters: PubMed 24728327.